The following is an entry in ClinVar:

ClinVar aggregate classification (germline): Pathogenic (1 of 4 stars; one submission).

Submission:

Labcorp Genetics (formerly Invitae), Labcorp
Classification: Pathogenic. Last evaluated: 2023-08-10. Review status: criteria provided, single submitter. Criteria: Invitae Variant Classification Sherloc (09022015). Collection method: clinical testing. Allele origin: germline.
Comment: For these reasons, this variant has been classified as Pathogenic. This variant disrupts a region of the PPOX protein in which other variant(s) (p.Leu444Aspfs*8) have been determined to be pathogenic (PMID: 12859407, 19656455). This suggests that this is a clinically significant region of the protein, and that variants that disrupt it are likely to be disease-causing. This premature translational stop signal has been observed in individual(s) with clinical features of acute hepatic porphyria (PMID: 30385147). This variant is not present in population databases (gnomAD no frequency). This sequence change creates a premature translational stop signal (p.Leu442*) in the PPOX gene. While this is not anticipated to result in nonsense mediated decay, it is expected to disrupt the last 36 amino acid(s) of the PPOX protein.

Literature cited by the submitters: PubMed 12859407; PubMed 19656455; PubMed 30385147.

NM_001122764.3(PPOX):c.1325T>A (p.Leu442Ter)

Gene: PPOX (protoporphyrinogen oxidase; plus strand). Cytogenetic location: 1q23.3.
Variant type: single nucleotide variant.
Coding change: c.1325T>A on transcript NM_001122764.3 (MANE Select); coding-DNA position 1325, T replaced by A.
Protein change: p.Leu442Ter; replaces leucine 442 with a stop codon.
Molecular consequence: nonsense.
Genome position (GRCh38, 1-based): chr1:161,171,067, T>A. VCF-style: chr1-161171067-T-A. GRCh37 (hg19) VCF-style: chr1-161140857-T-A.
Other names: c.839T>A, p.Leu280Ter (NM_001365401.1, NM_001350130.2, NM_001350131.2); c.1325T>A, p.Leu442Ter (NM_000309.5, NM_001365398.1); c.1226T>A, p.Leu409Ter (NM_001350128.2); c.917T>A, p.Leu306Ter (NM_001350129.2, NM_001365400.1); c.1214T>A, p.Leu405Ter (NM_001365399.1); short protein forms L280*, L405*, L442*, L409*, L306*.
Identifiers: ClinVar variation 2971414 (VCV002971414.3), dbSNP rs771784041, ClinGen allele CA343359022.